The following is an entry in ClinVar:

NM_001349338.3(FOXP1):c.1240_1241del (p.Leu414fs)

Gene: FOXP1 (forkhead box P1; minus strand). Cytogenetic location: 3p13.
Variant type: Deletion.
Coding change: c.1240_1241del on transcript NM_001349338.3 (MANE Select); coding-DNA positions 1240 to 1241, 2 bases deleted (CT; older notation c.1240_1241delCT).
Protein change: p.Leu414fs; shifts the reading frame from leucine 414.
Molecular consequence: frameshift variant. On other transcripts: non-coding transcript variant (2).
Genome position (GRCh38, 1-based): chr3:70,977,935-70,977,936, AG deleted on the plus strand (CT on the coding strand, the reverse complement: FOXP1 is on the minus strand). VCF-style (leftmost placement, unchanged base first): chr3-70977934-CAG-C. GRCh37 (hg19) VCF-style: chr3-71027085-CAG-C.
Other names: c.1240_1241delCT (NM_032682.5); c.1240_1241del, p.Leu414fs (NM_001244808.3, NM_001244810.2, NM_001244814.3 and 3 more transcripts); c.1012_1013del, p.Leu338fs (NM_001244812.3); c.940_941del, p.Leu314fs (NM_001244813.3, NM_001244815.2, NM_001349342.3 and 1 more transcripts); c.937_938del, p.Leu313fs (NM_001349337.2, NM_001349343.3, NM_001349344.3); c.1237_1238del, p.Leu413fs (NM_001349341.3); short protein forms L313fs, L314fs, L338fs, L413fs, L414fs.
Identifiers: ClinVar variation 418219 (VCV000418219.18), dbSNP rs1064793130, ClinGen allele CA16618009.
Genomic context (GRCh38, chr3:70,977,934, plus strand): 5'-GGGTCCCACCGTGTGCATGCTGGTGGTTGTGATGACAGAGGGGCCTTGGGTGACGGGAGT[CAG>C]GGGGGCGGTTGGGGTCGTTGGAGTATGAGGTAAGCTCTGTGGAGAAGCCTCCGATGCGGA-3'

ClinVar aggregate classification (germline): Pathogenic/Likely pathogenic. Review status: criteria provided, multiple submitters, no conflicts (2 of 4 stars). 9 submissions from 9 submitters: Pathogenic (6); Likely pathogenic (3). Last evaluated 2025-01-03.

Conditions:
Intellectual disability-severe speech delay-mild dysmorphism syndrome (IDDLA). Also called: Intellectual developmental disorder with language impairment AND with or without autistic features; Mental retardation with language impairment and autistic features; FOXP1 Syndrome. Identifiers: Orphanet 391372, MedGen C4013764, MONDO:0013352, OMIM 613670.
Inborn genetic diseases. Identifiers: MedGen C0950123, MeSH D030342.

Submissions (9):

Division of Genetic & Genomic Pathology, Hong Kong Children's Hospital
Classification: Pathogenic for Intellectual disability-severe speech delay-mild dysmorphism syndrome. Last evaluated: 2025-01-03. Review status: criteria provided, single submitter. Criteria: ACMG Guidelines, 2015. Collection method: clinical testing. Allele origin: germline. Affected: yes.
Comment: The FOXP1 c.1240_1241del p.(Leu414Aspfs*46) variant results in a stop gain in exon 15 of the FOXP1 gene. It is predicted to generate mRNA transcripts with a premature stop codon targeted by nonsense-mediated decay. Loss-of-function variants in FOXP1 are known to be pathogenic (PMID: 28735298). This variant is absent in population controls (gnomAD v4.1.0 and v2.1.1). It has been reported as pathogenic/likely pathogenic in ClinVar (VCV000418219.13) and reported in multiple individuals with FOXP1 syndrome (PMID: 34109629, 34588003, 38123995). For these reasons, FOXP1 c.1240_1241del p.(Leu414Aspfs*46) is classified as pathogenic.

GeneDx
Classification: Pathogenic. Last evaluated: 2024-03-25. Review status: criteria provided, single submitter. Criteria: GeneDx Variant Classification Process June 2021. Collection method: clinical testing. Allele origin: germline. Affected: yes.
Comment: Frameshift variant predicted to result in protein truncation or nonsense mediated decay in a gene for which loss-of-function is a known mechanism of disease; Not observed at significant frequency in large population cohorts (gnomAD); This variant is associated with the following publications: (PMID: 34588003, 27657687, 34109629, 34906498)

Genetics Laboratory, UDIAT-Centre Diagnòstic, Hospital Universitari Parc Tauli
Classification: Likely pathogenic for intellectual disability-severe speech delay-mild dysmorphism syndrome. Last evaluated: 2023-05-18. Review status: criteria provided, single submitter. Criteria: ACMG Guidelines, 2015. Collection method: clinical testing. Allele origin: unknown. Inheritance: Autosomal dominant inheritance. Affected: yes.
Comment: PVS1_very strong;PM2_supporting

Labcorp Genetics (formerly Invitae), Labcorp
Classification: Pathogenic. Last evaluated: 2022-08-10. Review status: criteria provided, single submitter. Criteria: Invitae Variant Classification Sherloc (09022015). Collection method: clinical testing. Allele origin: germline.
Comment: This variant is not present in population databases (gnomAD no frequency). This sequence change creates a premature translational stop signal (p.Leu414Aspfs*46) in the FOXP1 gene. It is expected to result in an absent or disrupted protein product. Loss-of-function variants in FOXP1 are known to be pathogenic (PMID: 28735298). This premature translational stop signal has been observed in individual(s) with clinical features of intellectual disability syndrome (PMID: 27657687, 34109629). For these reasons, this variant has been classified as Pathogenic. ClinVar contains an entry for this variant (Variation ID: 418219).

Institute of Medical Genetics and Applied Genomics, University Hospital Tübingen
Classification: Likely pathogenic. Last evaluated: 2021-06-17. Review status: criteria provided, single submitter. Criteria: ACMG Guidelines, 2015. Collection method: clinical testing. Allele origin: germline. Inheritance: Autosomal dominant inheritance. Affected: yes.

Mendelics
Classification: Likely pathogenic for Intellectual disability-severe speech delay-mild dysmorphism syndrome. Last evaluated: 2019-05-28. Review status: criteria provided, single submitter. Criteria: Mendelics Assertion Criteria 2017. Collection method: clinical testing. Allele origin: unknown.

Ambry Genetics
Classification: Pathogenic for Inborn genetic diseases. Last evaluated: 2018-10-19. Review status: criteria provided, single submitter. Criteria: Ambry exome assertion method (8-5-2015). Collection method: clinical testing. Allele origin: germline. Affected: yes. Observed: 1 variant allele.

Knight Diagnostic Laboratories, Oregon Health and Sciences University
Classification: Pathogenic for Mental retardation with language impairment and with or without autistic features. Last evaluated: 2018-02-12. Review status: criteria provided, single submitter. Criteria: ACMG Guidelines, 2015. Collection method: clinical testing. Allele origin: germline. Affected: yes. Observed: 1 variant allele.

Centre de Biologie Pathologie Génétique, Centre Hospitalier Universitaire de Lille
Classification: Pathogenic for Intellectual disability-severe speech delay-mild dysmorphism syndrome. Review status: criteria provided, single submitter. Criteria: ACMG Guidelines, 2015. Collection method: clinical testing. Allele origin: de novo. Affected: yes.

Literature cited by the submitters: PubMed 28735298 (cited by Division of Genetic & Genomic Pathology, Hong Kong Children's Hospital and Labcorp Genetics (formerly Invitae), Labcorp); PubMed 34109629 (cited by Division of Genetic & Genomic Pathology, Hong Kong Children's Hospital and Labcorp Genetics (formerly Invitae), Labcorp); PubMed 34588003 (cited by Division of Genetic & Genomic Pathology, Hong Kong Children's Hospital); PubMed 38123995 (cited by Division of Genetic & Genomic Pathology, Hong Kong Children's Hospital); PubMed 27657687 (cited by Labcorp Genetics (formerly Invitae), Labcorp and Ambry Genetics).